The following is an entry in ClinVar:

NM_005529.7(HSPG2):c.6445G>A (p.Gly2149Ser)

Genes: HSPG2 (heparan sulfate proteoglycan 2; minus strand), LOC126805655 (CDK7 strongly-dependent group 2 enhancer GRCh37_chr1:22178409-22179608; plus strand). Cytogenetic location: 1p36.12.
Variant type: single nucleotide variant.
Coding change: c.6445G>A on transcript NM_005529.7 (MANE Select); coding-DNA position 6445, G replaced by A.
Protein change: p.Gly2149Ser; replaces glycine 2149 with serine.
Molecular consequence: missense variant.
Genome position (GRCh38, 1-based): chr1:21,853,065, C>T on the plus strand (G>A on the coding strand, the complement: HSPG2 is on the minus strand). VCF-style: chr1-21853065-C-T. GRCh37 (hg19) VCF-style: chr1-22179558-C-T.
Other names: c.6448G>A, p.Gly2150Ser (NM_001291860.2); short protein forms G2149S, G2150S.
Identifiers: ClinVar variation 1330950 (VCV001330950.11), dbSNP rs561417019, ClinGen allele CA671538.
Genomic context (GRCh38, chr1:21,853,065, plus strand): 5'-GGGTCTGCCCTTCCGCCACGTGTGAGGAGGAGGGCTCGATGCGGATGGGCCGGGTGCTGC[C>T]GGGCACTGGACACAGAGCGGCTGCTCAGAGGCCTGAACTCTTGGGCTGTAACCTGTAGCC-3'
Protein context (NP_005520.4, residues 2139-2159): HSGPSYTPVP[Gly2149Ser]STRPIRIEPS

ClinVar aggregate classification (germline): Uncertain significance. Review status: criteria provided, multiple submitters, no conflicts (2 of 4 stars). 2 submissions from 2 submitters: Uncertain significance (2). Last evaluated 2022-06-04.

Allele frequency attached by ClinVar (database versions not stated): gnomAD 0.00001 and 0.00003; TOPMed 0.00002; gnomAD exomes 0.00006; ExAC 0.00008; 1000 Genomes Project 30x 0.00016; 1000 Genomes Project 0.00020.
gnomAD v4.1: 42 of 1,613,838 alleles (0.0026%); highest among the groups gnomAD compares: South Asian, 0.029%; 1 homozygote.

Submissions (2):

Labcorp Genetics (formerly Invitae), Labcorp
Classification: Uncertain significance. Last evaluated: 2022-06-04. Review status: criteria provided, single submitter. Criteria: Invitae Variant Classification Sherloc (09022015). Collection method: clinical testing. Allele origin: germline.
Comment: In summary, the available evidence is currently insufficient to determine the role of this variant in disease. Therefore, it has been classified as a Variant of Uncertain Significance. Algorithms developed to predict the effect of missense changes on protein structure and function output the following: SIFT: "Tolerated"; PolyPhen-2: "Benign"; Align-GVGD: "Class C0". The serine amino acid residue is found in multiple mammalian species, which suggests that this missense change does not adversely affect protein function. ClinVar contains an entry for this variant (Variation ID: 1330950). This variant has not been reported in the literature in individuals affected with HSPG2-related conditions. This variant is present in population databases (rs561417019, gnomAD 0.03%). This sequence change replaces glycine, which is neutral and non-polar, with serine, which is neutral and polar, at codon 2149 of the HSPG2 protein (p.Gly2149Ser).

ARUP Laboratories, Molecular Genetics and Genomics, ARUP Laboratories
Classification: Uncertain significance. Last evaluated: 2021-11-09. Review status: criteria provided, single submitter. Criteria: ARUP Molecular Germline Variant Investigation Process 2021. Collection method: clinical testing. Allele origin: germline.
Comment: The HSPG2 c.6445G>A, p.Gly2149Ser variant (rs561417019), to our knowledge, is not reported in the medical literature or gene specific databases. This variant is found in the general population with an overall allele frequency of 0.006% (16/281850 alleles) in the Genome Aggregation Database. The glycine at codon 2149 is moderately conserved, and computational analyses predict that this variant is neutral (REVEL: 0.052). Due to limited information, the clinical significance of the p.Gly2149Ser variant is uncertain at this time.